The following is an entry in ClinVar:

ClinVar aggregate classification (germline): Benign/Likely benign. Review status: criteria provided, multiple submitters, no conflicts (2 of 4 stars). 8 submissions from 6 submitters: Benign (4); Likely benign (4). Last evaluated 2026-03-01.

Conditions:
Greig cephalopolysyndactyly syndrome (GCPS). Also called: GLI3-Related Greig Cephalopolysyndactyly Syndrome; POLYSYNDACTYLY WITH PECULIAR SKULL SHAPE; Greig syndrome. Identifiers: Orphanet 380, MedGen C0265306, MONDO:0008287, OMIM 175700.
Polysyndactyly 4. Also called: Polysyndactyly uncomplicated; Preaxial polydactyly 4. Identifiers: Orphanet 93338, MedGen C1868111, MONDO:0008272, OMIM 174700.
Pallister-Hall syndrome (PHS). Also called: HYPOTHALAMIC HAMARTOBLASTOMA, HYPOPITUITARISM, IMPERFORATE ANUS, AND POSTAXIAL POLYDACTYLY; GLI3-Related Pallister-Hall Syndrome. Identifiers: Orphanet 672, MedGen C0265220, MONDO:0007804, OMIM 146510.
Polydactyly, postaxial, type A1. Identifiers: MedGen C4282400, MONDO:0008266, OMIM 174200.
Polydactyly. Also called: polydactylism. Identifiers: MedGen C0152427, MONDO:0021003, OMIM 603596, HP:0010442.

Allele frequency attached by ClinVar (database versions not stated): gnomAD exomes 0.00008 and 0.00019; ExAC 0.00027; gnomAD 0.00080 and 0.00084; ESP Exome Variant Server 0.00092; TOPMed 0.00093; 1000 Genomes Project 0.00100; 1000 Genomes Project 30x 0.00109.
gnomAD v4.1: 234 of 1,609,452 alleles (0.015%); highest among the groups gnomAD compares: African/African-American, 0.28%; no homozygotes.

Submissions (8):

CeGaT Center for Human Genetics Tuebingen
Classification: Likely benign. Last evaluated: 2026-03-01. Review status: criteria provided, single submitter. Criteria: CeGaT Center For Human Genetics Tuebingen Variant Classification Criteria Version 2. Collection method: clinical testing. Allele origin: germline. Affected: yes. Observed: 1 variant allele.
Comment: GLI3: BP4, BP7

Labcorp Genetics (formerly Invitae), Labcorp
Classification: Benign for Pallister-Hall syndrome; Greig cephalopolysyndactyly syndrome. Last evaluated: 2025-12-08. Review status: criteria provided, single submitter. Criteria: Invitae Variant Classification Sherloc (09022015). Collection method: clinical testing. Allele origin: germline.

Fulgent Genetics
Classification: Likely benign for Pallister-Hall syndrome; Polydactyly, postaxial, type A1; Polysyndactyly 4; Greig cephalopolysyndactyly syndrome. Last evaluated: 2021-07-27. Review status: criteria provided, single submitter. Criteria: ACMG Guidelines, 2015. Collection method: clinical testing. Allele origin: unknown.

GeneDx
Classification: Likely benign. Last evaluated: 2020-08-31. Review status: criteria provided, single submitter. Criteria: GeneDx Variant Classification Process June 2021. Collection method: clinical testing. Allele origin: germline. Affected: yes.

Illumina Laboratory Services, Illumina
Classification: Benign for Pallister-Hall syndrome. Last evaluated: 2018-01-12. Review status: criteria provided, single submitter. Criteria: ICSL Variant Classification Criteria 13 December 2019. Collection method: clinical testing. Allele origin: germline.
Comment: This variant was observed in the ICSL laboratory as part of a predisposition screen in an ostensibly healthy population. It had not been previously curated by ICSL or reported in the Human Gene Mutation Database (HGMD: prior to June 1st, 2018), and was therefore a candidate for classification through an automated scoring system. Utilizing variant allele frequency, disease prevalence and penetrance estimates, and inheritance mode, an automated score was calculated to assess if this variant is too frequent to cause the disease. Based on the score and internal cut-off values, a variant classified as benign is not then subjected to further curation. The score for this variant resulted in a classification of benign for this disease.

Illumina Laboratory Services, Illumina
Classification: Benign for Greig cephalopolysyndactyly syndrome. Last evaluated: 2018-01-12. Review status: criteria provided, single submitter. Criteria: ICSL Variant Classification Criteria 13 December 2019. Collection method: clinical testing. Allele origin: germline.
Comment: the same text as in the submission from Illumina Laboratory Services, Illumina above.

Illumina Laboratory Services, Illumina
Classification: Benign for Polydactyly. Last evaluated: 2018-01-12. Review status: criteria provided, single submitter. Criteria: ICSL Variant Classification Criteria 13 December 2019. Collection method: clinical testing. Allele origin: germline.
Comment: the same text as in the submission from Illumina Laboratory Services, Illumina above.

Breakthrough Genomics
Classification: Likely benign. Review status: criteria provided, single submitter. Criteria: ACMG Guidelines, 2015. Collection method: not provided. Allele origin: germline. Inheritance: Autosomal dominant inheritance. Affected: yes.

NM_000168.6(GLI3):c.501G>A (p.Thr167=)

Gene: GLI3 (GLI family zinc finger 3; minus strand). Cytogenetic location: 7p14.1.
Variant type: single nucleotide variant.
Coding change: c.501G>A on transcript NM_000168.6 (MANE Select); coding-DNA position 501, G replaced by A.
Protein change: p.Thr167=; no amino-acid change (threonine 167 retained).
Molecular consequence: synonymous variant.
Genome position (GRCh38, 1-based): chr7:42,048,669, C>T on the plus strand (G>A on the coding strand, the complement: GLI3 is on the minus strand). VCF-style: chr7-42048669-C-T. GRCh37 (hg19) VCF-style: chr7-42088268-C-T.
Identifiers: ClinVar variation 360254 (VCV000360254.23), dbSNP rs149901929, ClinGen allele CA4231157.